The following is an entry in ClinVar:

NM_001079520.2(DACT1):c.1023C>T (p.Val341=)

Gene: DACT1 (dishevelled binding antagonist of beta catenin 1; plus strand). Cytogenetic location: 14q23.1.
Variant type: single nucleotide variant.
Coding change: c.1023C>T on transcript NM_001079520.2 (MANE Select); coding-DNA position 1023, C replaced by T.
Protein change: p.Val341=; no amino-acid change (valine 341 retained).
Molecular consequence: synonymous variant. On other transcripts: non-coding transcript variant (5).
Genome position (GRCh38, 1-based): chr14:58,645,757, C>T. VCF-style: chr14-58645757-C-T. GRCh37 (hg19) VCF-style: chr14-59112475-C-T.
Other names: c.1134C>T, p.Val378= (NM_016651.6).
Identifiers: ClinVar variation 3059824 (VCV003059824.3), dbSNP rs863091, ClinGen allele CA7206713.

ClinVar aggregate classification (germline): Benign. Review status: criteria provided, single submitter (1 of 4 stars). 2 submissions from 2 submitters: Benign (1). 1 of the submissions does not count toward it. Last evaluated 2024-11-27.

Conditions:
DACT1-related disorder. Also called: DACT1-related condition.

Allele frequency attached by ClinVar (database versions not stated): gnomAD exomes 0.19577; ExAC 0.22718; ESP Exome Variant Server 0.25211; gnomAD 0.25315; TOPMed 0.26868; 1000 Genomes Project 0.27097; 1000 Genomes Project 30x 0.27701.
gnomAD v4.1: 325,581 of 1,614,080 alleles (20%); highest among the groups gnomAD compares: African/African-American, 39%; 35,588 homozygotes.

Submissions (2):

Blueprint Genetics
Classification: Benign. Last evaluated: 2024-11-27. Review status: criteria provided, single submitter. Criteria: ACMG Guidelines, 2015. Collection method: clinical testing. Allele origin: germline.

PreventionGenetics, part of Exact Sciences
Classification: Benign for DACT1-related condition. Last evaluated: 2019-11-12. Review status: no assertion criteria provided. Collection method: clinical testing. Allele origin: germline. Not counted in ClinVar's aggregate classification.
Comment: This variant is classified as benign based on ACMG/AMP sequence variant interpretation guidelines (Richards et al. 2015 PMID: 25741868, with internal and published modifications).